The following is an entry in ClinVar:

NM_203446.3(SYNJ1):c.2785A>G (p.Ile929Val)

Gene: SYNJ1 (synaptojanin 1; minus strand). Cytogenetic location: 21q22.11.
Variant type: single nucleotide variant.
Coding change: c.2785A>G on transcript NM_203446.3 (MANE Select); coding-DNA position 2785, A replaced by G.
Protein change: p.Ile929Val; replaces isoleucine 929 with valine.
Molecular consequence: missense variant.
Genome position (GRCh38, 1-based): chr21:32,656,697, T>C on the plus strand (A>G on the coding strand, the complement: SYNJ1 is on the minus strand). VCF-style: chr21-32656697-T-C. GRCh37 (hg19) VCF-style: chr21-34029007-T-C.
Other names: c.2785A>G, p.Ile929Val (NM_001160302.2); c.2770A>G, p.Ile924Val (NM_001160306.2); c.2902A>G, p.Ile968Val (NM_003895.4); short protein forms I924V, I968V, I929V.
Identifiers: ClinVar variation 1933698 (VCV001933698.2), dbSNP rs1407971749, ClinGen allele CA410073141.
Genomic context (GRCh38, chr21:32,656,697, plus strand): 5'-AAATGATTGTTTATGAATCACAAGCTACTTTTGCATAATAAACATCTTACCTTATAAGTA[T>C]AACTTCACCAAAACTTGCAAACTGCTGCAGAAGCTCATCAATCAAGGCATCATCAAAAAA-3'
Protein context (NP_982271.3, residues 919-939): LQQFASFGEV[Ile929Val]LIRFVEDKMW

ClinVar aggregate classification (germline): Uncertain significance (1 of 4 stars; one submission).

Conditions:
Developmental and epileptic encephalopathy, 53. Also called: Epileptic encephalopathy, early infantile, 53. Identifiers: MedGen C4479313, MONDO:0033362, OMIM 617389.
Early-onset Parkinson disease 20. Also called: PARKINSON DISEASE 20, AUTOSOMAL RECESSIVE EARLY-ONSET. Identifiers: Orphanet 391411, MedGen C3809824, MONDO:0014233, OMIM 615530.

Allele frequency attached by ClinVar (database versions not stated): gnomAD 0.00001; gnomAD exomes 0.00001; TOPMed 0.00001.
gnomAD v4.1: 10 of 1,612,980 alleles (0.00062%); highest among the groups gnomAD compares: Non-Finnish European, 0.00085%; no homozygotes.

Submission:

Labcorp Genetics (formerly Invitae), Labcorp
Classification: Uncertain significance for Developmental and epileptic encephalopathy, 53; Early-onset Parkinson disease 20. Last evaluated: 2022-08-20. Review status: criteria provided, single submitter. Criteria: Invitae Variant Classification Sherloc (09022015). Collection method: clinical testing. Allele origin: germline.
Comment: This sequence change replaces isoleucine, which is neutral and non-polar, with valine, which is neutral and non-polar, at codon 968 of the SYNJ1 protein (p.Ile968Val). This variant is not present in population databases (gnomAD no frequency). This variant has not been reported in the literature in individuals affected with SYNJ1-related conditions. Algorithms developed to predict the effect of missense changes on protein structure and function output the following: SIFT: "Tolerated"; PolyPhen-2: "Benign"; Align-GVGD: "Class C0". The valine amino acid residue is found in multiple mammalian species, which suggests that this missense change does not adversely affect protein function. In summary, the available evidence is currently insufficient to determine the role of this variant in disease. Therefore, it has been classified as a Variant of Uncertain Significance.